The following is an entry in ClinVar:

ClinVar aggregate classification (germline): Uncertain significance (1 of 4 stars; one submission).

Allele frequency attached by ClinVar (database versions not stated): gnomAD exomes below 0.00001; TOPMed below 0.00001.

Submission:

Labcorp Genetics (formerly Invitae), Labcorp
Classification: Uncertain significance. Last evaluated: 2020-08-16. Review status: criteria provided, single submitter. Criteria: Invitae Variant Classification Sherloc (09022015). Collection method: clinical testing. Allele origin: germline.
Comment: This sequence change replaces methionine with threonine at codon 163 of the PPOX protein (p.Met163Thr). The methionine residue is moderately conserved and there is a moderate physicochemical difference between methionine and threonine. In summary, the available evidence is currently insufficient to determine the role of this variant in disease. Therefore, it has been classified as a Variant of Uncertain Significance. Algorithms developed to predict the effect of missense changes on protein structure and function are either unavailable or do not agree on the potential impact of this missense change (SIFT: "Deleterious"; PolyPhen-2: "Benign"; Align-GVGD: "Class C25"). This variant has not been reported in the literature in individuals with PPOX-related conditions. This variant is not present in population databases (ExAC no frequency).

NM_001122764.3(PPOX):c.488T>C (p.Met163Thr)

Gene: PPOX (protoporphyrinogen oxidase; plus strand). Cytogenetic location: 1q23.3.
Variant type: single nucleotide variant.
Coding change: c.488T>C on transcript NM_001122764.3 (MANE Select); coding-DNA position 488, T replaced by C.
Protein change: p.Met163Thr; replaces methionine 163 with threonine.
Molecular consequence: missense variant. On other transcripts: initiator codon variant (3).
Genome position (GRCh38, 1-based): chr1:161,168,448, T>C. VCF-style: chr1-161168448-T-C. GRCh37 (hg19) VCF-style: chr1-161138238-T-C.
Other names: c.488T>C, p.Met163Thr (NM_000309.5, NM_001365398.1, NM_001365399.1); c.389T>C, p.Met130Thr (NM_001350128.2); c.80T>C, p.Met27Thr (NM_001350129.2, NM_001365400.1); c.2T>C, p.Met1Thr (NM_001350130.2, NM_001350131.2, NM_001365401.1); short protein forms M130T, M163T, M1T, M27T.
Identifiers: ClinVar variation 1052037 (VCV001052037.9), dbSNP rs1019141153, ClinGen allele CA31633625.
Genomic context (GRCh38, chr1:161,168,448, plus strand): 5'-TGTAGATTATTTTTTCGCTCCTTAGTCCTAGTCTCACCCTTAAGGTGGCGTCTCTAGCCA[T>C]GGACAGTCTCTGCCGTGGAGTGTTTGCAGGCAACAGCCGTGAGCTCAGCATCAGGTCCTG-3'
Protein context (NP_001116236.1, residues 153-173): RLGPEVASLA[Met163Thr]DSLCRGVFAG